The following is an entry in ClinVar:

NM_021625.5(TRPV4):c.2455A>C (p.Arg819=)

Gene: TRPV4 (transient receptor potential cation channel subfamily V member 4; minus strand). Cytogenetic location: 12q24.11.
Variant type: single nucleotide variant.
Coding change: c.2455A>C on transcript NM_021625.5 (MANE Select); coding-DNA position 2455, A replaced by C.
Protein change: p.Arg819=; no amino-acid change (arginine 819 retained).
Molecular consequence: synonymous variant.
Genome position (GRCh38, 1-based): chr12:109,784,319, T>G on the plus strand (A>C on the coding strand, the complement: TRPV4 is on the minus strand). VCF-style: chr12-109784319-T-G. GRCh37 (hg19) VCF-style: chr12-110222124-T-G.
Other names: c.2314A>C, p.Arg772= (NM_001177428.2); c.2353A>C, p.Arg785= (NM_001177431.2); c.2134A>C, p.Arg712= (NM_001177433.2); c.2275A>C, p.Arg759= (NM_147204.3).
Identifiers: ClinVar variation 3900903 (VCV003900903.1).

ClinVar aggregate classification (germline): Uncertain significance (1 of 4 stars; one submission).

Submission:

GeneDx
Classification: Uncertain significance. Last evaluated: 2024-12-02. Review status: criteria provided, single submitter. Criteria: GeneDx Variant Classification Process June 2021. Collection method: clinical testing. Allele origin: germline. Affected: yes.
Comment: Not observed at significant frequency in large population cohorts (gnomAD); In silico analysis indicates that this variant does not alter splicing; Has not been previously published as pathogenic or benign to our knowledge